The following is an entry in ClinVar:

ClinVar aggregate classification (germline): Likely benign (1 of 4 stars; one submission).

gnomAD v4.1: 37 of 1,184,470 alleles (0.0031%); highest among the groups gnomAD compares: African/African-American, 0.053%; no homozygotes.

Submission:

CeGaT Center for Human Genetics Tuebingen
Classification: Likely benign. Last evaluated: 2026-06-01. Review status: criteria provided, single submitter. Criteria: CeGaT Center For Human Genetics Tuebingen Variant Classification Criteria Version 2. Collection method: clinical testing. Allele origin: germline. Affected: yes. Observed: 1 variant allele.
Comment: DMD: BP4, BS2

NM_004006.3(DMD):c.4072-148C>G

Gene: DMD (dystrophin; minus strand). Cytogenetic location: Xp21.1.
Variant type: single nucleotide variant.
Coding change: c.4072-148C>G on transcript NM_004006.3 (MANE Select); 148 bases into the intron before coding-DNA position 4072, C replaced by G.
Molecular consequence: intron variant. On other transcripts: 5 prime UTR variant (1).
Genome position (GRCh38, 1-based): chrX:32,412,061, G>C on the plus strand (C>G on the coding strand, the complement: DMD is on the minus strand). VCF-style: chrX-32412061-G-C. GRCh37 (hg19) VCF-style: chrX-32430178-G-C.
Other names: c.-4C>G (NM_004012.4); c.4048-148C>G (NM_000109.4); c.48+101C>G (NM_004011.4); c.4060-148C>G (NM_004009.3); c.3703-148C>G (NM_004010.3).
Identifiers: ClinVar variation 4873272 (VCV004873272.2).